The following is an entry in ClinVar:

NM_000268.4(NF2):c.1498C>T (p.Leu500Phe)

Gene: NF2 (NF2, moesin-ezrin-radixin like (MERLIN) tumor suppressor; plus strand). Cytogenetic location: 22q12.2.
Variant type: single nucleotide variant.
Coding change: c.1498C>T on transcript NM_000268.4 (MANE Select); coding-DNA position 1498, C replaced by T.
Protein change: p.Leu500Phe; replaces leucine 500 with phenylalanine.
Molecular consequence: missense variant. On other transcripts: non-coding transcript variant (1), intron variant (1).
Genome position (GRCh38, 1-based): chr22:29,678,247, C>T. VCF-style: chr22-29678247-C-T. GRCh37 (hg19) VCF-style: chr22-30074236-C-T.
Other names: c.1384C>T, p.Leu462Phe (NM_001407053.1, NM_001407056.1); c.1375C>T, p.Leu459Phe (NM_001407054.1, NM_001407058.1, NM_181829.3); c.1372C>T, p.Leu458Phe (NM_001407055.1, NM_181828.3); c.1363C>T, p.Leu455Phe (NM_001407057.1, NM_001407059.1); c.1498C>T, p.Leu500Phe (NM_001407060.1, NM_001407066.1, NM_016418.5 and 2 more transcripts); c.1240C>T, p.Leu414Phe (NM_001407062.1); c.1249C>T, p.Leu417Phe (NM_001407063.1, NM_001407064.1, NM_181830.3 and 1 more transcripts); c.964C>T, p.Leu322Phe (NM_001407065.1); and 2 more; short protein forms L322F, L417F, L455F, L459F, L462F, L414F, L423F, L458F.
Identifiers: ClinVar variation 3021669 (VCV003021669.4), dbSNP rs2147108286, ClinGen allele CA411149647.

ClinVar aggregate classification (germline): Uncertain significance. Review status: criteria provided, multiple submitters, no conflicts (2 of 4 stars). 2 submissions from 2 submitters: Uncertain significance (2). Last evaluated 2026-01-03.

Conditions:
Neurofibromatosis, type 2 (SWNV). Also called: BILATERAL ACOUSTIC NEUROFIBROMATOSIS; NF2-Related Schwannomatosis; SCHWANNOMATOSIS, VESTIBULAR. Identifiers: Orphanet 637, MedGen C0027832, MONDO:0007039, OMIM 101000. Disease mechanism: loss of function.
Hereditary cancer-predisposing syndrome. Also called: Tumor predisposition; Hereditary Cancer Syndrome; Hereditary neoplastic syndrome; Neoplastic Syndromes, Hereditary. Identifiers: Orphanet 140162, MedGen C0027672, MeSH D009386, MONDO:0015356.

Submissions (2):

Ambry Genetics
Classification: Uncertain significance for Hereditary cancer-predisposing syndrome. Last evaluated: 2026-01-03. Review status: criteria provided, single submitter. Criteria: Ambry Variant Classification Scheme 2023. Collection method: clinical testing. Allele origin: germline.
Comment: The p.L500F variant (also known as c.1498C>T), located in coding exon 14 of the NF2 gene, results from a C to T substitution at nucleotide position 1498. The leucine at codon 500 is replaced by phenylalanine, an amino acid with highly similar properties. This amino acid position is conserved. In addition, this alteration is predicted to be tolerated by in silico analysis. Based on the available evidence, the clinical significance of this variant remains unclear.

Labcorp Genetics (formerly Invitae), Labcorp
Classification: Uncertain significance for Neurofibromatosis, type 2. Last evaluated: 2025-04-02. Review status: criteria provided, single submitter. Criteria: Invitae Variant Classification Sherloc (09022015). Collection method: clinical testing. Allele origin: germline.
Comment: This sequence change replaces leucine, which is neutral and non-polar, with phenylalanine, which is neutral and non-polar, at codon 500 of the NF2 protein (p.Leu500Phe). This variant is not present in population databases (gnomAD no frequency). This variant has not been reported in the literature in individuals affected with NF2-related conditions. ClinVar contains an entry for this variant (Variation ID: 3021669). Invitae Evidence Modeling of protein sequence and biophysical properties (such as structural, functional, and spatial information, amino acid conservation, physicochemical variation, residue mobility, and thermodynamic stability) indicates that this missense variant is not expected to disrupt NF2 protein function with a negative predictive value of 80%. In summary, the available evidence is currently insufficient to determine the role of this variant in disease. Therefore, it has been classified as a Variant of Uncertain Significance.